The following is an entry in ClinVar:

NM_005026.5(PIK3CD):c.1809G>C (p.Leu603=)

Gene: PIK3CD (phosphatidylinositol-4,5-bisphosphate 3-kinase catalytic subunit delta; plus strand). Cytogenetic location: 1p36.22.
Variant type: single nucleotide variant.
Coding change: c.1809G>C on transcript NM_005026.5 (MANE Select); coding-DNA position 1809, G replaced by C.
Protein change: p.Leu603=; no amino-acid change (leucine 603 retained).
Molecular consequence: synonymous variant.
Genome position (GRCh38, 1-based): chr1:9,721,246, G>C. VCF-style: chr1-9721246-G-C. GRCh37 (hg19) VCF-style: chr1-9781304-G-C.
Other names: c.1806G>C, p.Leu602= (NM_001350234.2); c.1722G>C, p.Leu574= (NM_001350235.1); c.1809G>C (LRG_191t1).
Identifiers: ClinVar variation 474024 (VCV000474024.55), dbSNP rs151278626, ClinGen allele CA577328.

ClinVar aggregate classification (germline): Benign/Likely benign. Review status: criteria provided, multiple submitters, no conflicts (2 of 4 stars). 10 submissions from 10 submitters: Benign (4); Likely benign (3). 3 of the submissions do not count toward it. Last evaluated 2026-07-01.

Conditions:
PIK3CD-related disorder. Also called: PIK3CD-related condition.
Immunodeficiency 14 (IMD14A). Also called: Activated PI3K Delta Syndrome Type 1 (APDS1); p110-DELTA-ACTIVATING MUTATION CAUSING SENESCENT T CELLS, LYMPHADENOPATHY, AND IMMUNODEFICIENCY; IMMUNODEFICIENCY 14A WITH LYMPHOPROLIFERATION, AUTOSOMAL DOMINANT; ACTIVATED PI3K-DELTA SYNDROME 1. Identifiers: Orphanet 397596, Orphanet 693661, MedGen C5907821, MONDO:0014222, OMIM 615513.

Allele frequency attached by ClinVar (database versions not stated): 1000 Genomes Project 30x 0.00141; 1000 Genomes Project 0.00160; TOPMed 0.00186; ESP Exome Variant Server 0.00215; gnomAD 0.00262 and 0.00268; gnomAD exomes 0.00291 and 0.00308; ExAC 0.00314.
gnomAD v4.1: 4,844 of 1,613,340 alleles (0.3%); highest among the groups gnomAD compares: Non-Finnish European, 0.34%; 14 homozygotes.

Submissions (10):

CeGaT Center for Human Genetics Tuebingen
Classification: Likely benign. Last evaluated: 2026-07-01. Review status: criteria provided, single submitter. Criteria: CeGaT Center For Human Genetics Tuebingen Variant Classification Criteria Version 2. Collection method: clinical testing. Allele origin: germline. Affected: yes. Observed: 9 variant alleles.
Comment: PIK3CD: BP4, BP7

Women's Health and Genetics/Laboratory Corporation of America, LabCorp
Classification: Benign. Last evaluated: 2026-04-07. Review status: criteria provided, single submitter. Criteria: LabCorp Variant Classification Summary - May 2015. Collection method: clinical testing. Allele origin: germline.

Labcorp Genetics (formerly Invitae), Labcorp
Classification: Benign for Activated PI3K-delta syndrome. Last evaluated: 2026-02-01. Review status: criteria provided, single submitter. Criteria: Invitae Variant Classification Sherloc (09022015). Collection method: clinical testing. Allele origin: germline.

ARUP Laboratories, Molecular Genetics and Genomics, ARUP Laboratories
Classification: Benign. Last evaluated: 2025-04-23. Review status: criteria provided, single submitter. Criteria: ARUP Molecular Germline Variant Investigation Process 2024. Collection method: clinical testing. Allele origin: germline.

Blueprint Genetics
Classification: Likely benign. Last evaluated: 2024-11-22. Review status: criteria provided, single submitter. Criteria: ACMG Guidelines, 2015. Collection method: clinical testing. Allele origin: germline.

Genetics and Molecular Pathology, SA Pathology
Classification: Likely benign for Immunodeficiency 14. Last evaluated: 2020-06-30. Review status: criteria provided, single submitter. Criteria: ACMG Guidelines, 2015. Collection method: clinical testing. Allele origin: germline. Inheritance: Autosomal dominant inheritance. Affected: yes.

Breakthrough Genomics
Classification: Benign. Review status: criteria provided, single submitter. Criteria: ACMG Guidelines, 2015. Collection method: not provided. Allele origin: germline. Inheritance: Autosomal recessive inheritance. Affected: yes.

PreventionGenetics, part of Exact Sciences
Classification: Likely benign for PIK3CD-related condition. Last evaluated: 2023-12-08. Review status: no assertion criteria provided. Collection method: clinical testing. Allele origin: germline. Not counted in ClinVar's aggregate classification.
Comment: This variant is classified as likely benign based on ACMG/AMP sequence variant interpretation guidelines (Richards et al. 2015 PMID: 25741868, with internal and published modifications).

Genome Diagnostics Laboratory, University Medical Center Utrecht
Classification: Benign. Review status: no assertion criteria provided. Collection method: clinical testing. Allele origin: germline. Affected: yes. Study: VKGL Data-share Consensus. Not counted in ClinVar's aggregate classification.

Laboratory of Diagnostic Genome Analysis, Leiden University Medical Center (LUMC)
Classification: Likely benign. Review status: no assertion criteria provided. Collection method: clinical testing. Allele origin: germline. Affected: yes. Study: VKGL Data-share Consensus. Not counted in ClinVar's aggregate classification.